The following is an entry in ClinVar:

NM_004328.4(BCS1L):c.-331G>T

Gene: BCS1L (BCS1 ubiquinol-cytochrome c reductase complex chaperone; plus strand). Cytogenetic location: 2q35.
Variant type: single nucleotide variant.
Coding change: c.-331G>T on transcript NM_004328.4; 331 bases upstream of the start codon, G replaced by T.
Genome position (GRCh38, 1-based): chr2:218,659,671, G>T. VCF-style: chr2-218659671-G-T. GRCh37 (hg19) VCF-style: chr2-219524394-G-T.
Other names: NM_001320717.1:c.-294G>T; c.-179G>T (NM_001257344.1).
Identifiers: ClinVar variation 3385355 (VCV003385355.1).

ClinVar aggregate classification (germline): Uncertain significance (1 of 4 stars; one submission).

Conditions:
Neuromuscular disease. Also called: Neuromuscular disorder; Neuromyopathy. Identifiers: Orphanet 68381, MedGen C0027868, MeSH D009468, MONDO:0019056.

Submission:

Broad Center for Mendelian Genomics, Broad Institute of MIT and Harvard
Classification: Uncertain significance for Neuromuscular disease. Last evaluated: 2024-12-12. Review status: criteria provided, single submitter. Criteria: ACMG Guidelines, 2015. Collection method: curation. Allele origin: germline. Inheritance: Autosomal recessive inheritance. Study: GREGoR Consortium.
Comment: The heterozygous c.-113G>T variant in BCS1L was identified by our study, in the compound heterozygous state, in 2 siblings with motor neuropathy. While this gene is still lacking sufficient evidence to establish a gene-disease relationship, we believe this is a possible novel gene candidate for motor neuropathy. Given the limited information about this gene-disease relationship, the significance of the c.-113G>T variant is uncertain. If you have any additional information about functional evidence or other individuals with this phenotype that also have variants in BCS1L we encourage you to reach out to us.